The following is an entry in ClinVar:

ClinVar aggregate classification (germline): Uncertain significance (1 of 4 stars; one submission).

Submission:

GeneDx
Classification: Uncertain significance. Last evaluated: 2026-01-31. Review status: criteria provided, single submitter. Criteria: GeneDx Variant Classification Process June 2021. Collection method: clinical testing. Allele origin: germline.
Comment: Not observed at significant frequency in large population cohorts (gnomAD); In silico analysis suggests that this missense variant does not alter protein structure/function; Has not been previously published as pathogenic or benign to our knowledge

NM_021224.6(ZNF462):c.5737A>T (p.Ile1913Phe)

Gene: ZNF462 (zinc finger protein 462; plus strand). Cytogenetic location: 9q31.2.
Variant type: single nucleotide variant.
Coding change: c.5737A>T on transcript NM_021224.6 (MANE Select); coding-DNA position 5737, A replaced by T.
Protein change: p.Ile1913Phe; replaces isoleucine 1913 with phenylalanine.
Molecular consequence: missense variant. On other transcripts: intron variant (1).
Genome position (GRCh38, 1-based): chr9:106,929,649, A>T. VCF-style: chr9-106929649-A-T. GRCh37 (hg19) VCF-style: chr9-109691930-A-T.
Other names: c.3253-876A>T (NM_001347997.2); short protein forms I1913F.
Identifiers: ClinVar variation 4975977 (VCV004975977.1).